The following is an entry in ClinVar:

NM_003001.5(SDHC):c.62A>T (p.Gln21Leu)

Gene: SDHC (succinate dehydrogenase complex subunit C; plus strand). Cytogenetic location: 1q23.3.
Variant type: single nucleotide variant.
Coding change: c.62A>T on transcript NM_003001.5 (MANE Select); coding-DNA position 62, A replaced by T.
Protein change: p.Gln21Leu; replaces glutamine 21 with leucine.
Molecular consequence: missense variant. On other transcripts: 5 prime UTR variant (2), non-coding transcript variant (1), intron variant (4).
Genome position (GRCh38, 1-based): chr1:161,323,655, A>T. VCF-style: chr1-161323655-A-T. GRCh37 (hg19) VCF-style: chr1-161293445-A-T.
Other names: c.62A>T, p.Gln21Leu (NM_001035511.3, NM_001035512.3, NM_001278172.3 and 2 more transcripts); c.-50A>T (NM_001407119.1); c.-168A>T (NM_001407120.1); c.21-4741A>T (NM_001407116.1, NM_001407121.1, NM_001407117.1); c.20+9230A>T (NM_001035513.3); short protein forms Q21L.
Identifiers: ClinVar variation 3223035 (VCV003223035.1), dbSNP rs1670927465, ClinGen allele CA343359558.

ClinVar aggregate classification (germline): Uncertain significance (1 of 4 stars; one submission).

Conditions:
Hereditary cancer-predisposing syndrome. Also called: Tumor predisposition; Hereditary neoplastic syndrome; Hereditary Cancer Syndrome; Neoplastic Syndromes, Hereditary. Identifiers: Orphanet 140162, MedGen C0027672, MeSH D009386, MONDO:0015356.

Submission:

Ambry Genetics
Classification: Uncertain significance for Hereditary cancer-predisposing syndrome. Last evaluated: 2023-12-21. Review status: criteria provided, single submitter. Criteria: Ambry Variant Classification Scheme 2023. Collection method: clinical testing. Allele origin: germline.
Comment: The p.Q21L variant (also known as c.62A>T), located in coding exon 2 of the SDHC gene, results from an A to T substitution at nucleotide position 62. The glutamine at codon 21 is replaced by leucine, an amino acid with dissimilar properties. This amino acid position is conserved. In addition, the in silico prediction for this alteration is inconclusive. Since supporting evidence is limited at this time, the clinical significance of this alteration remains unclear.